The following is an entry in ClinVar:

ClinVar aggregate classification (germline): Uncertain significance (1 of 4 stars; one submission).

gnomAD v4.1: 2 of 1,589,320 alleles (0.00013%); highest among the groups gnomAD compares: Admixed American, 0.0036%; no homozygotes.

Submission:

Labcorp Genetics (formerly Invitae), Labcorp
Classification: Uncertain significance. Last evaluated: 2022-04-29. Review status: criteria provided, single submitter. Criteria: Invitae Variant Classification Sherloc (09022015). Collection method: clinical testing. Allele origin: germline.
Comment: Algorithms developed to predict the effect of missense changes on protein structure and function output the following: SIFT: "Deleterious"; PolyPhen-2: "Benign"; Align-GVGD: "Class C0". The asparagine amino acid residue is found in multiple mammalian species, which suggests that this missense change does not adversely affect protein function. In summary, the available evidence is currently insufficient to determine the role of this variant in disease. Therefore, it has been classified as a Variant of Uncertain Significance. This variant has not been reported in the literature in individuals affected with KISS1-related conditions. The frequency data for this variant in the population databases is considered unreliable, as metrics indicate poor data quality at this position in the gnomAD database. This sequence change replaces serine, which is neutral and polar, with asparagine, which is neutral and polar, at codon 77 of the KISS1 protein (p.Ser77Asn).

NM_002256.4(KISS1):c.230G>A (p.Ser77Asn)

Gene: KISS1 (KiSS-1 metastasis suppressor; minus strand). Cytogenetic location: 1q32.1.
Variant type: single nucleotide variant.
Coding change: c.230G>A on transcript NM_002256.4 (MANE Select); coding-DNA position 230, G replaced by A.
Protein change: p.Ser77Asn; replaces serine 77 with asparagine.
Molecular consequence: missense variant.
Genome position (GRCh38, 1-based): chr1:204,190,671, C>T on the plus strand (G>A on the coding strand, the complement: KISS1 is on the minus strand). VCF-style: chr1-204190671-C-T. GRCh37 (hg19) VCF-style: chr1-204159799-C-T.
Other names: short protein forms S77N.
Identifiers: ClinVar variation 2131989 (VCV002131989.4), dbSNP rs745585227, ClinGen allele CA344346743.